The following is an entry in ClinVar:

ClinVar aggregate classification (germline): Likely benign. Review status: criteria provided, single submitter (1 of 4 stars). 2 submissions from 2 submitters: Likely benign (1). 1 of the submissions does not count toward it. Last evaluated 2024-05-02.

Conditions:
PKD1-related disorder. Also called: PKD1-related condition.
Polycystic kidney disease, adult type (PKD1). Also called: POLYCYSTIC KIDNEY DISEASE 1 WITH OR WITHOUT POLYCYSTIC LIVER DISEASE; POLYCYSTIC KIDNEY DISEASE, ADULT, TYPE I; Polycystic Kidney Disease 1, Autosomal Dominant; Polycystic kidney disease 1; Polycystic kidney disease 1, severe; Polycystic Kidney, Autosomal Dominant. Identifiers: MedGen C3149841, MONDO:0008263, OMIM 173900.

Allele frequency attached by ClinVar (database versions not stated): gnomAD 0.00001; TOPMed 0.00001; gnomAD exomes 0.00002; ExAC 0.00006; 1000 Genomes Project 0.00020; 1000 Genomes Project 30x 0.00031.

Submissions (2):

Department of Pathology and Laboratory Medicine, Sinai Health System
Classification: Likely benign for Polycystic kidney disease, adult type. Last evaluated: 2024-05-02. Review status: criteria provided, single submitter. Criteria: ACMG Guidelines, 2015. Collection method: clinical testing. Allele origin: germline.

PreventionGenetics, part of Exact Sciences
Classification: Likely benign for PKD1-related condition. Last evaluated: 2021-12-30. Review status: no assertion criteria provided. Collection method: clinical testing. Allele origin: germline. Not counted in ClinVar's aggregate classification.
Comment: This variant is classified as likely benign based on ACMG/AMP sequence variant interpretation guidelines (Richards et al. 2015 PMID: 25741868, with internal and published modifications).

NM_001009944.3(PKD1):c.4713G>A (p.Ser1571=)

Gene: PKD1 (polycystin 1, transient receptor potential channel interacting; minus strand). Cytogenetic location: 16p13.3.
Variant type: single nucleotide variant.
Coding change: c.4713G>A on transcript NM_001009944.3 (MANE Select); coding-DNA position 4713, G replaced by A.
Protein change: p.Ser1571=; no amino-acid change (serine 1571 retained).
Molecular consequence: synonymous variant.
Genome position (GRCh38, 1-based): chr16:2,110,454, C>T on the plus strand (G>A on the coding strand, the complement: PKD1 is on the minus strand). VCF-style: chr16-2110454-C-T. GRCh37 (hg19) VCF-style: chr16-2160455-C-T.
Other names: c.4713G>A, p.Ser1571= (NM_000296.4).
Identifiers: ClinVar variation 3036478 (VCV003036478.3), dbSNP rs575632499, ClinGen allele CA7832276.